The following is an entry in ClinVar:

ClinVar aggregate classification (germline): Uncertain significance (1 of 4 stars; one submission).

Allele frequency attached by ClinVar (database versions not stated): gnomAD exomes below 0.00001; ExAC 0.00001.
gnomAD v4.1: 2 of 1,613,974 alleles (0.00012%); highest among the groups gnomAD compares: Admixed American, 0.0033%; no homozygotes.

Submission:

Labcorp Genetics (formerly Invitae), Labcorp
Classification: Uncertain significance. Last evaluated: 2024-03-11. Review status: criteria provided, single submitter. Criteria: Invitae Variant Classification Sherloc (09022015). Collection method: clinical testing. Allele origin: germline.
Comment: This sequence change falls in intron 17 of the VPS13D gene. It does not directly change the encoded amino acid sequence of the VPS13D protein. It affects a nucleotide within the consensus splice site. This variant is present in population databases (rs750155296, gnomAD 0.006%). This variant has not been reported in the literature in individuals affected with VPS13D-related conditions. ClinVar contains an entry for this variant (Variation ID: 2015288). Variants that disrupt the consensus splice site are a relatively common cause of aberrant splicing (PMID: 17576681, 9536098). Algorithms developed to predict the effect of sequence changes on RNA splicing suggest that this variant may disrupt the consensus splice site. In summary, the available evidence is currently insufficient to determine the role of this variant in disease. Therefore, it has been classified as a Variant of Uncertain Significance.

Literature cited by the submitters: PubMed 17576681; PubMed 9536098.

NM_015378.4(VPS13D):c.2103+5G>A

Gene: VPS13D (vacuolar protein sorting 13 homolog D; plus strand). Cytogenetic location: 1p36.22.
Variant type: single nucleotide variant.
Coding change: c.2103+5G>A on transcript NM_015378.4 (MANE Select); 5 bases into the intron after coding-DNA position 2103, G replaced by A.
Molecular consequence: intron variant.
Genome position (GRCh38, 1-based): chr1:12,271,129, G>A. VCF-style: chr1-12271129-G-A. GRCh37 (hg19) VCF-style: chr1-12331186-G-A.
Other names: c.2103+5G>A (NM_018156.4).
Identifiers: ClinVar variation 2015288 (VCV002015288.4), dbSNP rs750155296, ClinGen allele CA601729.